The following is an entry in ClinVar:

NM_005802.5(TOPORS):c.2144G>C (p.Gly715Ala)

Gene: TOPORS (TOP1 binding arginine/serine rich protein, E3 ubiquitin ligase; minus strand). Cytogenetic location: 9p21.1.
Variant type: single nucleotide variant.
Coding change: c.2144G>C on transcript NM_005802.5 (MANE Select); coding-DNA position 2144, G replaced by C.
Protein change: p.Gly715Ala; replaces glycine 715 with alanine.
Molecular consequence: missense variant.
Genome position (GRCh38, 1-based): chr9:32,542,381, C>G on the plus strand (G>C on the coding strand, the complement: TOPORS is on the minus strand). VCF-style: chr9-32542381-C-G. GRCh37 (hg19) VCF-style: chr9-32542379-C-G.
Other names: c.1949G>C, p.Gly650Ala (NM_001195622.2); short protein forms G650A, G715A.
Identifiers: ClinVar variation 4533963 (VCV004533963.6).

ClinVar aggregate classification (germline): Uncertain significance (1 of 4 stars; one submission).

gnomAD v4.1: 5 of 1,613,982 alleles (0.00031%); highest among the groups gnomAD compares: South Asian, 0.0011%; no homozygotes.

Submission:

CeGaT Center for Human Genetics Tuebingen
Classification: Uncertain significance. Last evaluated: 2025-11-01. Review status: criteria provided, single submitter. Criteria: CeGaT Center For Human Genetics Tuebingen Variant Classification Criteria Version 2. Collection method: clinical testing. Allele origin: germline. Affected: yes. Observed: 1 variant allele.
Comment: TOPORS: PM2, BP4